The following is an entry in ClinVar:

ClinVar aggregate classification (germline): Likely benign (1 of 4 stars; one submission).

Submission:

CeGaT Center for Human Genetics Tuebingen
Classification: Likely benign. Last evaluated: 2026-07-01. Review status: criteria provided, single submitter. Criteria: CeGaT Center For Human Genetics Tuebingen Variant Classification Criteria Version 2. Collection method: clinical testing. Allele origin: germline. Affected: yes. Observed: 1 variant allele.
Comment: ACTL6A: BP4, BP7

NM_004301.5(ACTL6A):c.795G>A (p.Ser265=)

Gene: ACTL6A (actin like 6A; plus strand). Cytogenetic location: 3q26.33.
Variant type: single nucleotide variant.
Coding change: c.795G>A on transcript NM_004301.5 (MANE Select); coding-DNA position 795, G replaced by A.
Protein change: p.Ser265=; no amino-acid change (serine 265 retained).
Molecular consequence: synonymous variant.
Genome position (GRCh38, 1-based): chr3:179,580,666, G>A. VCF-style: chr3-179580666-G-A. GRCh37 (hg19) VCF-style: chr3-179298454-G-A.
Other names: c.669G>A, p.Ser223= (NM_177989.4, NM_178042.4).
Identifiers: ClinVar variation 5038651 (VCV005038651.1).